The following is an entry in ClinVar:

NM_000289.6(PFKM):c.1918A>G (p.Ile640Val)

Gene: PFKM (phosphofructokinase, muscle; plus strand). Cytogenetic location: 12q13.11.
Variant type: single nucleotide variant.
Coding change: c.1918A>G on transcript NM_000289.6 (MANE Select); coding-DNA position 1918, A replaced by G.
Protein change: p.Ile640Val; replaces isoleucine 640 with valine.
Molecular consequence: missense variant. On other transcripts: non-coding transcript variant (6).
Genome position (GRCh38, 1-based): chr12:48,144,083, A>G. VCF-style: chr12-48144083-A-G. GRCh37 (hg19) VCF-style: chr12-48537866-A-G.
Other names: p.Ile640Val; c.2131A>G, p.Ile711Val (NM_001166686.2, NM_001354737.1, NM_001354738.1 and 1 more transcripts); c.1918A>G, p.Ile640Val (NM_001166687.2, NM_001166688.2, NM_001354742.2 and 2 more transcripts); c.2227A>G, p.Ile743Val (NM_001354735.1, NM_001354736.1); c.2062A>G, p.Ile688Val (NM_001354740.1); c.1942A>G, p.Ile648Val (NM_001354741.2); c.1831A>G, p.Ile611Val (NM_001354745.2); c.1792A>G, p.Ile598Val (NM_001354746.2); and 2 more; short protein forms I611V, I688V, I590V, I609V, I598V, I648V, I711V, I743V.
Identifiers: ClinVar variation 2197314 (VCV002197314.4), dbSNP rs142495522, ClinGen allele CA6537476.
Genomic context (GRCh38, chr12:48,144,083, plus strand): 5'-GGCTTTTGGTCTCCACCTGGCAGGAATGAAAAGTGCAATGAGAACTATACCACTGACTTC[A>G]TTTTCAACCTGTACTCTGAGGAGGGGAAGGGCATCTTCGACAGCAGGAAGAATGTGCTTG-3'
Protein context (NP_000280.1, residues 630-650): KCNENYTTDF[Ile640Val]FNLYSEEGKG

ClinVar aggregate classification (germline): Uncertain significance. Review status: criteria provided, multiple submitters, no conflicts (2 of 4 stars). 3 submissions from 3 submitters: Uncertain significance (3). Last evaluated 2024-05-03.

Conditions:
Glycogen storage disease, type VII (GSD7). Also called: PFKM DEFICIENCY; TARUI DISEASE; GSD VII; MUSCLE PHOSPHOFRUCTOKINASE DEFICIENCY. Identifiers: Orphanet 371, MedGen C0017926, MONDO:0009295, OMIM 232800.

Allele frequency attached by ClinVar (database versions not stated): ExAC 0.00005; gnomAD 0.00005; ESP Exome Variant Server 0.00008; 1000 Genomes Project 30x 0.00016; 1000 Genomes Project 0.00020.
gnomAD v4.1: 41 of 1,614,016 alleles (0.0025%); highest among the groups gnomAD compares: Non-Finnish European, 0.0035%; no homozygotes.

Submissions (3):

Mayo Clinic Laboratories, Mayo Clinic
Classification: Uncertain significance. Last evaluated: 2024-05-03. Review status: criteria provided, single submitter. Criteria: ACMG Guidelines, 2015. Collection method: clinical testing. Allele origin: germline. Observed: 1 variant allele.
Comment: PM2

Revvity Omics, Revvity
Classification: Uncertain significance for Glycogen storage disease, type VII. Last evaluated: 2023-03-08. Review status: criteria provided, single submitter. Criteria: ACMG Guidelines, 2015. Collection method: clinical testing. Allele origin: germline.

Labcorp Genetics (formerly Invitae), Labcorp
Classification: Uncertain significance for Glycogen storage disease, type VII. Last evaluated: 2022-04-19. Review status: criteria provided, single submitter. Criteria: Invitae Variant Classification Sherloc (09022015). Collection method: clinical testing. Allele origin: germline.
Comment: This sequence change replaces isoleucine, which is neutral and non-polar, with valine, which is neutral and non-polar, at codon 640 of the PFKM protein (p.Ile640Val). This variant is present in population databases (rs142495522, gnomAD 0.006%). This variant has not been reported in the literature in individuals affected with PFKM-related conditions. Algorithms developed to predict the effect of missense changes on protein structure and function (SIFT, PolyPhen-2, Align-GVGD) all suggest that this variant is likely to be tolerated. In summary, the available evidence is currently insufficient to determine the role of this variant in disease. Therefore, it has been classified as a Variant of Uncertain Significance.